The following is an entry in ClinVar:

NM_007294.4(BRCA1):c.1028A>G (p.Asn343Ser)

Gene: BRCA1 (BRCA1 DNA repair associated; minus strand). Cytogenetic location: 17q21.31.
Variant type: single nucleotide variant.
Coding change: c.1028A>G on transcript NM_007294.4 (MANE Select); coding-DNA position 1028, A replaced by G.
Protein change: p.Asn343Ser; replaces asparagine 343 with serine.
Molecular consequence: missense variant. On other transcripts: intron variant (137).
Genome position (GRCh38, 1-based): chr17:43,094,503, T>C on the plus strand (A>G on the coding strand, the complement: BRCA1 is on the minus strand). VCF-style: chr17-43094503-T-C. GRCh37 (hg19) VCF-style: chr17-41246520-T-C.
Other names: c.577+241A>G (NM_001408479.1, NM_001408481.1, NM_001408480.1 and 9 more transcripts); c.1019A>G, p.Asn340Ser (NM_001407647.1, NM_001407646.1); c.905A>G, p.Asn302Ser (NM_001407648.1, NM_001407664.1, NM_001407665.1 and 19 more transcripts); c.902A>G, p.Asn301Ser (NM_001407649.1, NM_001407670.1, NM_001407671.1 and 11 more transcripts); c.661+241A>G (NM_001408445.1, NM_001408432.1, NM_001408446.1 and 6 more transcripts); c.1028A>G, p.Asn343Ser (NM_001407652.1, NM_007300.4, NM_001407581.1 and 30 more transcripts); c.950A>G, p.Asn317Ser (NM_001407653.1, NM_001407654.1, NM_001407655.1 and 4 more transcripts); c.667+1343A>G (NM_001408431.1, NM_001408424.1, NM_001408421.1); and 40 more; short protein forms N175S, N272S, N295S, N296S, N342S, N47S, N255S, N275S.
Identifiers: ClinVar variation 3261443 (VCV003261443.2).
Genomic context (GRCh38, chr17:43,094,503, plus strand): 5'-TTCTCTGAGCATGGCAGTTTCTGCTTATTCCATTCTTTTCTCTCACACAGGGGATCAGCA[T>C]TCAGATCTACCTTTTTTTCTGTGCTGGGAGTCCGCCTATCATTACATGTTTCCTTACTTC-3'
Protein context (NP_009225.1, residues 333-353): TPSTEKKVDL[Asn343Ser]ADPLCERKEW

ClinVar aggregate classification (germline): Uncertain significance. Review status: criteria provided, multiple submitters, no conflicts (2 of 4 stars). 2 submissions from 2 submitters: Uncertain significance (2). Last evaluated 2024-05-25.

Conditions:
Hereditary cancer-predisposing syndrome. Also called: Hereditary Cancer Syndrome; Tumor predisposition; Hereditary neoplastic syndrome; Neoplastic Syndromes, Hereditary. Identifiers: Orphanet 140162, MedGen C0027672, MeSH D009386, MONDO:0015356.

Submissions (2):

Ambry Genetics
Classification: Uncertain significance for Hereditary cancer-predisposing syndrome. Last evaluated: 2024-05-25. Review status: criteria provided, single submitter. Criteria: Ambry Variant Classification Scheme 2023. Collection method: clinical testing. Allele origin: germline.
Comment: The p.N343S variant (also known as c.1028A>G), located in coding exon 9 of the BRCA1 gene, results from an A to G substitution at nucleotide position 1028. The asparagine at codon 343 is replaced by serine, an amino acid with highly similar properties. This amino acid position is conserved. In addition, the in silico prediction for this alteration is inconclusive. Based on the available evidence, the clinical significance of this variant remains unclear.

GeneDx
Classification: Uncertain significance. Last evaluated: 2024-04-25. Review status: criteria provided, single submitter. Criteria: GeneDx Variant Classification Process June 2021. Collection method: clinical testing. Allele origin: germline. Affected: yes.
Comment: Not observed at significant frequency in large population cohorts (gnomAD); In silico analysis supports that this missense variant has a deleterious effect on protein structure/function; Has not been previously published as pathogenic or benign to our knowledge; Also known as 1147A>G; This variant is associated with the following publications: (PMID: 20215511, 11521194, 10426999, 9582019, 9926942, 15343273)